The following is an entry in ClinVar:

NM_031443.4(CCM2):c.487A>G (p.Ile163Val)

Gene: CCM2 (CCM2 scaffold protein; plus strand). Cytogenetic location: 7p13.
Variant type: single nucleotide variant.
Coding change: c.487A>G on transcript NM_031443.4 (MANE Select); coding-DNA position 487, A replaced by G.
Protein change: p.Ile163Val; replaces isoleucine 163 with valine.
Molecular consequence: missense variant. On other transcripts: non-coding transcript variant (1), intron variant (1).
Genome position (GRCh38, 1-based): chr7:45,068,457, A>G. VCF-style: chr7-45068457-A-G. GRCh37 (hg19) VCF-style: chr7-45108056-A-G.
Other names: c.550A>G, p.Ile184Val (NM_001029835.2); c.313A>G, p.Ile105Val (NM_001167934.2, NM_001363459.2); c.487A>G, p.Ile163Val (NM_001363458.2); c.472+3811A>G (NM_001167935.2); short protein forms I105V, I163V, I184V.
Identifiers: ClinVar variation 2742291 (VCV002742291.4), dbSNP rs1798891223, ClinGen allele CA367430229.

ClinVar aggregate classification (germline): Uncertain significance. Review status: criteria provided, multiple submitters, no conflicts (2 of 4 stars). 2 submissions from 2 submitters: Uncertain significance (2). Last evaluated 2025-09-11.

Conditions:
Cerebral cavernous malformation 2. Also called: Familial Cerebral Cavernous Malformation 2. Identifiers: Orphanet 221061, MedGen C1864041, MONDO:0011304, OMIM 603284.
Inborn genetic diseases. Identifiers: MedGen C0950123, MeSH D030342.

Allele frequency attached by ClinVar (database versions not stated): TOPMed below 0.00001.
gnomAD v4.1: 1 of 1,613,964 alleles (0.000062%); no homozygotes.

Submissions (2):

Ambry Genetics
Classification: Uncertain significance for Inborn genetic diseases. Last evaluated: 2025-09-11. Review status: criteria provided, single submitter. Criteria: Ambry Variant Classification Scheme 2023. Collection method: clinical testing. Allele origin: germline.

Labcorp Genetics (formerly Invitae), Labcorp
Classification: Uncertain significance for Cerebral cavernous malformation 2. Last evaluated: 2023-10-22. Review status: criteria provided, single submitter. Criteria: Invitae Variant Classification Sherloc (09022015). Collection method: clinical testing. Allele origin: germline.
Comment: This sequence change replaces isoleucine, which is neutral and non-polar, with valine, which is neutral and non-polar, at codon 163 of the CCM2 protein (p.Ile163Val). This variant is not present in population databases (gnomAD no frequency). This variant has not been reported in the literature in individuals affected with CCM2-related conditions. Advanced modeling of protein sequence and biophysical properties (such as structural, functional, and spatial information, amino acid conservation, physicochemical variation, residue mobility, and thermodynamic stability) performed at Invitae indicates that this missense variant is not expected to disrupt CCM2 protein function. In summary, the available evidence is currently insufficient to determine the role of this variant in disease. Therefore, it has been classified as a Variant of Uncertain Significance.